The following is an entry in ClinVar:

NM_001165963.4(SCN1A):c.4473del (p.Lys1492fs)

Genes: SCN1A (sodium voltage-gated channel alpha subunit 1; minus strand), LOC102724058 (uncharacterized LOC102724058; plus strand). Cytogenetic location: 2q24.3.
Variant type: Deletion.
Coding change: c.4473del on transcript NM_001165963.4 (MANE Select); coding-DNA position 4473, one base deleted (G; older notation c.4473delG).
Protein change: p.Lys1492fs; shifts the reading frame from lysine 1492.
Molecular consequence: frameshift variant. On other transcripts: non-coding transcript variant (1).
Genome position (GRCh38, 1-based): chr2:165,998,041, C deleted on the plus strand (G on the coding strand, the reverse complement: SCN1A is on the minus strand). VCF-style (leftmost placement, unchanged base first): chr2-165998040-TC-T. GRCh37 (hg19) VCF-style: chr2-166854550-TC-T.
Other names: c.4389del, p.Lys1464fs (NM_001165964.3, NM_001353957.2, NM_001353958.2); c.4473del, p.Lys1492fs (NM_001202435.3, NM_001353948.2); c.4440del, p.Lys1481fs (NM_001353949.2, NM_001353950.2, NM_001353951.2 and 2 more transcripts); c.4437del, p.Lys1480fs (NM_001353954.2, NM_001353955.2); c.4386del, p.Lys1463fs (NM_001353960.2); c.2031del, p.Lys678fs (NM_001353961.2); short protein forms K678fs, K1464fs, K1492fs, K1480fs, K1481fs, K1463fs.
Identifiers: ClinVar variation 1453094 (VCV001453094.7), dbSNP rs2105475598, ClinGen allele CA2573133035.

ClinVar aggregate classification (germline): Pathogenic (1 of 4 stars; one submission).

Conditions:
Early-infantile DEE. Also called: Early infantile epileptic encephalopathy with suppression bursts; Early infantile epileptic encephalopathy; Ohtahara syndrome. Identifiers: Orphanet 1934, MedGen C0393706, MONDO:0800491.

Submission:

Labcorp Genetics (formerly Invitae), Labcorp
Classification: Pathogenic for Early-infantile DEE. Last evaluated: 2021-12-08. Review status: criteria provided, single submitter. Criteria: Invitae Variant Classification Sherloc (09022015). Collection method: clinical testing. Allele origin: germline.
Comment: This variant has not been reported in the literature in individuals affected with SCN1A-related conditions. For these reasons, this variant has been classified as Pathogenic. This variant is not present in population databases (gnomAD no frequency). This sequence change creates a premature translational stop signal (p.Lys1492Serfs*9) in the SCN1A gene. It is expected to result in an absent or disrupted protein product. Loss-of-function variants in SCN1A are known to be pathogenic (PMID: 17347258, 18930999).

Literature cited by the submitters: PubMed 17347258; PubMed 18930999.